The following is an entry in ClinVar:

NM_000548.5(TSC2):c.1258-7T>C

Gene: TSC2 (TSC complex subunit 2; plus strand). Cytogenetic location: 16p13.3.
Variant type: single nucleotide variant.
Coding change: c.1258-7T>C on transcript NM_000548.5 (MANE Select); 7 bases into the intron before coding-DNA position 1258, T replaced by C.
Molecular consequence: intron variant.
Genome position (GRCh38, 1-based): chr16:2,062,490, T>C. VCF-style: chr16-2062490-T-C. GRCh37 (hg19) VCF-style: chr16-2112491-T-C.
Other names: c.-87-7T>C (NM_001406693.1, NM_001406689.1, NM_001406690.1 and 4 more transcripts); c.1348-7T>C (NM_001406667.1, NM_001406668.1); c.658-7T>C (NM_001406680.1, NM_001406683.1, NM_001406687.1 and 6 more transcripts); c.-263-7T>C (NM_001406698.1); c.1258-7T>C (NM_001114382.3, NM_001406663.1, NM_001406664.1 and 6 more transcripts); c.-55-39T>C (NM_001406694.1, NM_001406695.1); c.1246-7T>C (NM_001406671.1, NM_001406673.1); c.796-7T>C (NM_001406681.1); and 4 more.
Identifiers: ClinVar variation 2873151 (VCV002873151.4), dbSNP rs1447629115, ClinGen allele CA2631118303.
Genomic context (GRCh38, chr16:2,062,490, plus strand): 5'-GCAGCCCAGTGTGGAGAAGGAGAGCGCCGGAGGGGCAGAGGGGCAACACCGGCTCTTCTT[T>C]TGACAGGAGTCCTCCCTCCTGAACCTGATCTCCTATAGAGCGCAGTCCATCCACCCGGCC-3'

ClinVar aggregate classification (germline): Likely benign. Review status: criteria provided, multiple submitters, no conflicts (2 of 4 stars). 2 submissions from 2 submitters: Likely benign (2). Last evaluated 2025-10-13.

Conditions:
Tuberous sclerosis 2 (TSC2). Identifiers: Orphanet 805, MedGen C1860707, MONDO:0013199, OMIM 613254.

Allele frequency attached by ClinVar (database versions not stated): gnomAD exomes below 0.00001.
gnomAD v4.1: 3 of 1,606,688 alleles (0.00019%); highest among the groups gnomAD compares: East Asian, 0.0022%; no homozygotes.

Submissions (2):

Labcorp Genetics (formerly Invitae), Labcorp
Classification: Likely benign for Tuberous sclerosis 2. Last evaluated: 2025-10-13. Review status: criteria provided, single submitter. Criteria: Invitae Variant Classification Sherloc (09022015). Collection method: clinical testing. Allele origin: germline.

Myriad Genetics, Inc.
Classification: Likely benign for Tuberous sclerosis 2. Last evaluated: 2025-05-13. Review status: criteria provided, single submitter. Criteria: Myriad Autosomal Dominant, Autosomal Recessive and X-Linked Classification Criteria (2023). Collection method: clinical testing. Allele origin: unknown.
Comment: This variant is considered likely benign. This variant is intronic and is not expected to impact mRNA splicing.